The following is an entry in ClinVar:

NM_133510.4(RAD51B):c.109G>A (p.Glu37Lys)

Gene: RAD51B (RAD51 paralog B; plus strand). Cytogenetic location: 14q24.1.
Variant type: single nucleotide variant.
Coding change: c.109G>A on transcript NM_133510.4 (MANE Select); coding-DNA position 109, G replaced by A.
Protein change: p.Glu37Lys; replaces glutamic acid 37 with lysine.
Molecular consequence: missense variant. On other transcripts: 5 prime UTR variant (2).
Genome position (GRCh38, 1-based): chr14:67,825,488, G>A. VCF-style: chr14-67825488-G-A. GRCh37 (hg19) VCF-style: chr14-68292205-G-A.
Other names: c.109G>A, p.Glu37Lys (NM_001321809.2, NM_001321810.2, NM_001321812.1 and 6 more transcripts); c.-6G>A (NM_001321815.1); c.-347G>A (NM_001321817.2); short protein forms E37K.
Identifiers: ClinVar variation 3942280 (VCV003942280.1).

ClinVar aggregate classification (germline): Uncertain significance (1 of 4 stars; one submission).

Submission:

Ambry Genetics
Classification: Uncertain significance. Last evaluated: 2025-03-29. Review status: criteria provided, single submitter. Criteria: Ambry Variant Classification Scheme 2023. Collection method: clinical testing. Allele origin: germline.
Comment: The p.E37K variant (also known as c.109G>A), located in coding exon 2 of the RAD51B gene, results from a G to A substitution at nucleotide position 109. The glutamic acid at codon 37 is replaced by lysine, an amino acid with similar properties. This amino acid position is conserved. In addition, the in silico prediction for this alteration is inconclusive. Based on the available evidence, the clinical significance of this variant remains unclear.